The following is an entry in ClinVar:

ClinVar aggregate classification (germline): Uncertain significance. Review status: criteria provided, multiple submitters, no conflicts (2 of 4 stars). 2 submissions from 2 submitters: Uncertain significance (2). Last evaluated 2024-01-24.

Submissions (2):

Labcorp Genetics (formerly Invitae), Labcorp
Classification: Uncertain significance. Last evaluated: 2024-01-24. Review status: criteria provided, single submitter. Criteria: Invitae Variant Classification Sherloc (09022015). Collection method: clinical testing. Allele origin: germline.
Comment: This sequence change replaces methionine, which is neutral and non-polar, with isoleucine, which is neutral and non-polar, at codon 253 of the AMER1 protein (p.Met253Ile). This variant is not present in population databases (gnomAD no frequency). This variant has not been reported in the literature in individuals affected with AMER1-related conditions. ClinVar contains an entry for this variant (Variation ID: 2660744). Algorithms developed to predict the effect of missense changes on protein structure and function output the following: SIFT: "Not Available"; PolyPhen-2: "Benign"; Align-GVGD: "Not Available". The isoleucine amino acid residue is found in multiple mammalian species, which suggests that this missense change does not adversely affect protein function. In summary, the available evidence is currently insufficient to determine the role of this variant in disease. Therefore, it has been classified as a Variant of Uncertain Significance.

CeGaT Center for Human Genetics Tuebingen
Classification: Uncertain significance. Last evaluated: 2022-07-01. Review status: criteria provided, single submitter. Criteria: CeGaT Center For Human Genetics Tuebingen Variant Classification Criteria Version 2. Collection method: clinical testing. Allele origin: germline. Affected: yes. Observed: 1 variant allele.
Comment: AMER1: PM2, BP4

NM_152424.4(AMER1):c.759G>C (p.Met253Ile)

Gene: AMER1 (APC membrane recruitment protein 1; minus strand). Cytogenetic location: Xq11.2.
Variant type: single nucleotide variant.
Coding change: c.759G>C on transcript NM_152424.4 (MANE Select); coding-DNA position 759, G replaced by C.
Protein change: p.Met253Ile; replaces methionine 253 with isoleucine.
Molecular consequence: missense variant.
Genome position (GRCh38, 1-based): chrX:64,192,528, C>G on the plus strand (G>C on the coding strand, the complement: AMER1 is on the minus strand). VCF-style: chrX-64192528-C-G. GRCh37 (hg19) VCF-style: chrX-63412408-C-G.
Other names: short protein forms M253I.
Identifiers: ClinVar variation 2660744 (VCV002660744.27), dbSNP rs1930274035, ClinGen allele CA413309680.
Genomic context (GRCh38, chrX:64,192,528, plus strand): 5'-CTTGGGTTGCACATGTGCTGAGGCACAGGCCTCCATGGGTTTTTCTGGATCTTTACAGGC[C>G]ATTTTCTCAGTAGCTGGTGGAGAAGGTTCTGGTGTTGGAGAAACTTTTGGCCCAGGGGCA-3'
Protein context (NP_689637.3, residues 243-263): PEPSPPATEK[Met253Ile]ACKDPEKPME